The following is an entry in ClinVar:

NM_199355.4(ADAMTS18):c.1710+7T>C

Gene: ADAMTS18 (ADAM metallopeptidase with thrombospondin type 1 motif 18; minus strand). Cytogenetic location: 16q23.1.
Variant type: single nucleotide variant.
Coding change: c.1710+7T>C on transcript NM_199355.4 (MANE Select); 7 bases into the intron after coding-DNA position 1710, T replaced by C.
Molecular consequence: intron variant.
Genome position (GRCh38, 1-based): chr16:77,341,697, A>G on the plus strand (T>C on the coding strand, the complement: ADAMTS18 is on the minus strand). VCF-style: chr16-77341697-A-G. GRCh37 (hg19) VCF-style: chr16-77375594-A-G.
Other names: c.1194+7T>C (NM_001326358.2); c.1710+7T>C (NM_199355.3).
Identifiers: ClinVar variation 1139327 (VCV001139327.34), dbSNP rs377139323, ClinGen allele CA8181210.
Genomic context (GRCh38, chr16:77,341,697, plus strand): 5'-ACAAACAGTTTGAATTCTATGCCTTATCAAATTTCTGGAGCTAAAAACTAACAAGTATGC[A>G]GTTTACCATACTCAAGCCACAAACGGTCCCTTCTGCTGCGGGCATAAACTTGGTCTCACA-3'

ClinVar aggregate classification (germline): Likely benign. Review status: criteria provided, multiple submitters, no conflicts (2 of 4 stars). 5 submissions from 5 submitters: Likely benign (4). 1 of the submissions does not count toward it. Last evaluated 2025-10-16.

Conditions:
ADAMTS18-related disorder. Also called: ADAMTS18-related condition.

Allele frequency attached by ClinVar (database versions not stated): gnomAD exomes 0.00007; ESP Exome Variant Server 0.00008; TOPMed 0.00014.
gnomAD v4.1: 128 of 1,609,782 alleles (0.008%); highest among the groups gnomAD compares: Middle Eastern, 0.3%; no homozygotes.

Submissions (5):

Labcorp Genetics (formerly Invitae), Labcorp
Classification: Likely benign. Last evaluated: 2025-10-16. Review status: criteria provided, single submitter. Criteria: Invitae Variant Classification Sherloc (09022015). Collection method: clinical testing. Allele origin: germline.

Blueprint Genetics
Classification: Likely benign. Last evaluated: 2024-09-09. Review status: criteria provided, single submitter. Criteria: ACMG Guidelines, 2015. Collection method: clinical testing. Allele origin: germline.

CeGaT Center for Human Genetics Tuebingen
Classification: Likely benign. Last evaluated: 2023-01-01. Review status: criteria provided, single submitter. Criteria: CeGaT Center For Human Genetics Tuebingen Variant Classification Criteria Version 2. Collection method: clinical testing. Allele origin: germline. Affected: yes. Observed: 1 variant allele.
Comment: ADAMTS18: BP4, BS2

Breakthrough Genomics
Classification: Likely benign. Review status: criteria provided, single submitter. Criteria: ACMG Guidelines, 2015. Collection method: not provided. Allele origin: germline. Inheritance: Autosomal recessive inheritance. Affected: yes.

PreventionGenetics, part of Exact Sciences
Classification: Likely benign for ADAMTS18-related condition. Last evaluated: 2024-04-03. Review status: no assertion criteria provided. Collection method: clinical testing. Allele origin: germline. Not counted in ClinVar's aggregate classification.
Comment: This variant is classified as likely benign based on ACMG/AMP sequence variant interpretation guidelines (Richards et al. 2015 PMID: 25741868, with internal and published modifications).